The following is an entry in ClinVar:

NM_004006.3(DMD):c.2199C>T (p.Ser733=)

Gene: DMD (dystrophin; minus strand). Cytogenetic location: Xp21.1.
Variant type: single nucleotide variant.
Coding change: c.2199C>T on transcript NM_004006.3 (MANE Select); coding-DNA position 2199, C replaced by T.
Protein change: p.Ser733=; no amino-acid change (serine 733 retained).
Molecular consequence: synonymous variant.
Genome position (GRCh38, 1-based): chrX:32,518,101, G>A on the plus strand (C>T on the coding strand, the complement: DMD is on the minus strand). VCF-style: chrX-32518101-G-A. GRCh37 (hg19) VCF-style: chrX-32536218-G-A.
Other names: c.2175C>T, p.Ser725= (NM_000109.4); c.2187C>T, p.Ser729= (NM_004009.3); c.1830C>T, p.Ser610= (NM_004010.3).
Identifiers: ClinVar variation 166856 (VCV000166856.26), dbSNP rs149882431, ClinGen allele CA233707.

ClinVar aggregate classification (germline): Conflicting classifications of pathogenicity. Review status: criteria provided, conflicting classifications (1 of 4 stars). 10 submissions from 10 submitters: Uncertain significance (1); Benign (6); Likely benign (2). 1 of the submissions does not count toward it. Last evaluated 2026-04-20.

Conditions:
Dystrophin deficiency.
Becker muscular dystrophy (BMD). Also called: Becker Muscular Dystrophy (BMD); MUSCULAR DYSTROPHY, PSEUDOHYPERTROPHIC PROGRESSIVE, BECKER TYPE. Identifiers: Orphanet 98895, MedGen C0917713, MONDO:0010311, OMIM 300376.
Duchenne muscular dystrophy (DMD). Also called: Duchenne Muscular Dystrophy (DMD); MUSCULAR DYSTROPHY, PSEUDOHYPERTROPHIC PROGRESSIVE, DUCHENNE TYPE. Identifiers: Orphanet 98896, MedGen C0013264, MONDO:0010679, OMIM 310200.
Cardiomyopathy (CMYO). Also called: Cardiomyopathies. Identifiers: Orphanet 167848, MedGen C0878544, MONDO:0004994, HP:0001638. Inheritance: Various modes of inheritance.
Cardiovascular phenotype. Identifiers: MedGen CN230736.
Dilated cardiomyopathy 3B (CMD3B). Also called: CMD3B: DMD-Related Dilated Cardiomyopathy; CARDIOMYOPATHY, DILATED, X-LINKED; DMD-Associated Dilated Cardiomyopathy. Identifiers: Orphanet 154, MedGen C3668940, MONDO:0010542, OMIM 302045.

Allele frequency attached by ClinVar (database versions not stated): gnomAD exomes 0.00005 and 0.00020; 1000 Genomes Project 30x 0.00021; 1000 Genomes Project 0.00026; ExAC 0.00027; ESP Exome Variant Server 0.00047; gnomAD 0.00064 and 0.00065; TOPMed 0.00083.
gnomAD v4.1: 135 of 1,208,400 alleles (0.011%); highest among the groups gnomAD compares: African/African-American, 0.18%; 1 homozygote.

Submissions (10):

Women's Health and Genetics/Laboratory Corporation of America, LabCorp
Classification: Benign. Last evaluated: 2026-04-20. Review status: criteria provided, single submitter. Criteria: LabCorp Variant Classification Summary - May 2015. Collection method: clinical testing. Allele origin: germline.

Labcorp Genetics (formerly Invitae), Labcorp
Classification: Benign for Duchenne muscular dystrophy. Last evaluated: 2026-01-26. Review status: criteria provided, single submitter. Criteria: Invitae Variant Classification Sherloc (09022015). Collection method: clinical testing. Allele origin: germline.

Molecular Diagnostic Laboratory for Inherited Cardiovascular Disease, Montreal Heart Institute
Classification: Likely benign. Last evaluated: 2025-04-09. Review status: criteria provided, single submitter. Criteria: ACMG Guidelines, 2015. Collection method: clinical testing. Allele origin: germline. Affected: no.
Comment: BS1;BP7

Athena Diagnostics
Classification: Benign. Last evaluated: 2021-01-13. Review status: criteria provided, single submitter. Criteria: Athena Diagnostics criteria. Collection method: clinical testing. Allele origin: unknown.

GeneDx
Classification: Benign. Last evaluated: 2020-11-19. Review status: criteria provided, single submitter. Criteria: GeneDx Variant Classification Process June 2021. Collection method: clinical testing. Allele origin: germline. Affected: yes.

Ambry Genetics
Classification: Benign for Cardiovascular phenotype. Last evaluated: 2019-06-21. Review status: criteria provided, single submitter. Criteria: Ambry Variant Classification Scheme 2023. Collection method: clinical testing. Allele origin: germline.

Illumina Laboratory Services, Illumina
Classification: Uncertain significance for Dilated cardiomyopathy 3B. Last evaluated: 2017-04-28. Review status: criteria provided, single submitter. Criteria: ICSL Variant Classification Criteria 13 December 2019. Collection method: clinical testing. Allele origin: germline.

Eurofins Ntd Llc (ga)
Classification: Benign. Last evaluated: 2015-09-19. Review status: criteria provided, single submitter. Criteria: EGL Classification Definitions 2015. Collection method: clinical testing. Allele origin: germline. Observed: 2 variant alleles, 2 heterozygotes.

PreventionGenetics, part of Exact Sciences
Classification: Likely benign. Review status: criteria provided, single submitter. Criteria: ACMG Guidelines, 2015. Collection method: clinical testing. Allele origin: germline.

Natera, Inc.
Classification: Likely benign for Becker muscular dystrophy; Cardiomyopathy; Duchenne muscular dystrophy; Dystrophin deficiency. Last evaluated: 2017-11-20. Review status: no assertion criteria provided. Collection method: clinical testing. Allele origin: germline. Not counted in ClinVar's aggregate classification.